The following is an entry in ClinVar:

NM_001014987.2(LAT):c.167C>T (p.Thr56Met)

Gene: LAT (linker for activation of T cells; plus strand). Cytogenetic location: 16p11.2.
Variant type: single nucleotide variant.
Coding change: c.167C>T on transcript NM_001014987.2 (MANE Select); coding-DNA position 167, C replaced by T.
Protein change: p.Thr56Met; replaces threonine 56 with methionine.
Molecular consequence: missense variant.
Genome position (GRCh38, 1-based): chr16:28,986,138, C>T. VCF-style: chr16-28986138-C-T. GRCh37 (hg19) VCF-style: chr16-28997459-C-T.
Other names: c.167C>T, p.Thr56Met (NM_001014988.2, NM_014387.4); c.275C>T, p.Thr92Met (NM_001014989.2); short protein forms T56M, T92M.
Identifiers: ClinVar variation 1493770 (VCV001493770.36), dbSNP rs369317401, ClinGen allele CA7989878.

ClinVar aggregate classification (germline): Uncertain significance. Review status: criteria provided, multiple submitters, no conflicts (2 of 4 stars). 2 submissions from 2 submitters: Uncertain significance (2). Last evaluated 2024-10-07.

Allele frequency attached by ClinVar (database versions not stated): ExAC 0.00004; gnomAD 0.00008 and 0.00009; gnomAD exomes 0.00009 and 0.00016; TOPMed 0.00014; ESP Exome Variant Server 0.00015.
gnomAD v4.1: 237 of 1,593,664 alleles (0.015%); highest among the groups gnomAD compares: Non-Finnish European, 0.019%; no homozygotes.

Submissions (2):

Labcorp Genetics (formerly Invitae), Labcorp
Classification: Uncertain significance. Last evaluated: 2024-10-07. Review status: criteria provided, single submitter. Criteria: Invitae Variant Classification Sherloc (09022015). Collection method: clinical testing. Allele origin: germline.
Comment: This sequence change replaces threonine, which is neutral and polar, with methionine, which is neutral and non-polar, at codon 56 of the LAT protein (p.Thr56Met). This variant is present in population databases (rs369317401, gnomAD 0.02%). This variant has not been reported in the literature in individuals affected with LAT-related conditions. ClinVar contains an entry for this variant (Variation ID: 1493770). An algorithm developed to predict the effect of missense changes on protein structure and function (PolyPhen-2) suggests that this variant¬†is likely to be tolerated. Studies have shown that this missense change does not significantly alter or has an unclear effect on LAT gene expression (PMID: 27278128). In summary, the available evidence is currently insufficient to determine the role of this variant in disease. Therefore, it has been classified as a Variant of Uncertain Significance.

CeGaT Center for Human Genetics Tuebingen
Classification: Uncertain significance. Last evaluated: 2022-07-01. Review status: criteria provided, single submitter. Criteria: CeGaT Center For Human Genetics Tuebingen Variant Classification Criteria Version 2. Collection method: clinical testing. Allele origin: germline. Affected: yes. Observed: 1 variant allele.
Comment: LAT: PM2, BP4

Literature cited by the submitters: PubMed 27278128 (cited by Labcorp Genetics (formerly Invitae), Labcorp).